The following is an entry in ClinVar:

NM_003791.4(MBTPS1):c.1099A>G (p.Ile367Val)

Gene: MBTPS1 (membrane bound transcription factor peptidase, site 1; minus strand). Cytogenetic location: 16q23.3.
Variant type: single nucleotide variant.
Coding change: c.1099A>G on transcript NM_003791.4 (MANE Select); coding-DNA position 1099, A replaced by G.
Protein change: p.Ile367Val; replaces isoleucine 367 with valine.
Molecular consequence: missense variant.
Genome position (GRCh38, 1-based): chr16:84,087,393, T>C on the plus strand (A>G on the coding strand, the complement: MBTPS1 is on the minus strand). VCF-style: chr16-84087393-T-C. GRCh37 (hg19) VCF-style: chr16-84120998-T-C.
Other names: short protein forms I367V.
Identifiers: ClinVar variation 2873417 (VCV002873417.3), dbSNP rs773874587, ClinGen allele CA8201464.

ClinVar aggregate classification (germline): Uncertain significance (1 of 4 stars; one submission).

Allele frequency attached by ClinVar (database versions not stated): gnomAD exomes below 0.00001; ExAC 0.00002; gnomAD 0.00002.
gnomAD v4.1: 6 of 1,612,170 alleles (0.00037%); highest among the groups gnomAD compares: African/African-American, 0.0013%; no homozygotes.

Submission:

Labcorp Genetics (formerly Invitae), Labcorp
Classification: Uncertain significance. Last evaluated: 2025-03-31. Review status: criteria provided, single submitter. Criteria: Invitae Variant Classification Sherloc (09022015). Collection method: clinical testing. Allele origin: germline.
Comment: This sequence change replaces isoleucine, which is neutral and non-polar, with valine, which is neutral and non-polar, at codon 367 of the MBTPS1 protein (p.Ile367Val). This variant is present in population databases (rs773874587, gnomAD 0.004%). This missense change has been observed in individual(s) with autism and/or developmental disorder (PMID: 33057194, 35982159). ClinVar contains an entry for this variant (Variation ID: 2873417). An algorithm developed to predict the effect of missense changes on protein structure and function (PolyPhen-2) suggests that this variant is likely to be disruptive. In summary, the available evidence is currently insufficient to determine the role of this variant in disease. Therefore, it has been classified as a Variant of Uncertain Significance.

Literature cited by the submitters: PubMed 33057194; PubMed 35982159.